The following is an entry in ClinVar:

NM_001009999.3(KDM1A):c.466C>G (p.Pro156Ala)

Gene: KDM1A (lysine demethylase 1A; plus strand). Cytogenetic location: 1p36.12.
Variant type: single nucleotide variant.
Coding change: c.466C>G on transcript NM_001009999.3 (MANE Select); coding-DNA position 466, C replaced by G.
Protein change: p.Pro156Ala; replaces proline 156 with alanine.
Molecular consequence: missense variant.
Genome position (GRCh38, 1-based): chr1:23,030,583, C>G. VCF-style: chr1-23030583-C-G. GRCh37 (hg19) VCF-style: chr1-23357076-C-G.
Other names: c.466C>G, p.Pro156Ala (NM_001363654.2, NM_001410762.1, NM_001410763.1 and 1 more transcripts); c.466C>G (NM_001009999.2); short protein forms P156A.
Identifiers: ClinVar variation 2110891 (VCV002110891.5), dbSNP rs2522544379, ClinGen allele CA338957358.

ClinVar aggregate classification (germline): Uncertain significance. Review status: criteria provided, multiple submitters, no conflicts (2 of 4 stars). 2 submissions from 2 submitters: Uncertain significance (2). Last evaluated 2024-12-25.

Conditions:
Inborn genetic diseases. Identifiers: MedGen C0950123, MeSH D030342.

gnomAD v4.1: 2 of 1,607,158 alleles (0.00012%); highest among the groups gnomAD compares: Non-Finnish European, 0.00017%; no homozygotes.

Submissions (2):

Ambry Genetics
Classification: Uncertain significance for Inborn genetic diseases. Last evaluated: 2024-12-25. Review status: criteria provided, single submitter. Criteria: Ambry Variant Classification Scheme 2023. Collection method: clinical testing. Allele origin: germline.
Comment: The p.P156A variant (also known as c.466C>G), located in coding exon 2 of the KDM1A gene, results from a C to G substitution at nucleotide position 466. The proline at codon 156 is replaced by alanine, an amino acid with highly similar properties. This amino acid position is conserved. In addition, this alteration is predicted to be tolerated by in silico analysis. Based on the available evidence, the clinical significance of this variant remains unclear.

Labcorp Genetics (formerly Invitae), Labcorp
Classification: Uncertain significance. Last evaluated: 2022-08-31. Review status: criteria provided, single submitter. Criteria: Invitae Variant Classification Sherloc (09022015). Collection method: clinical testing. Allele origin: germline.
Comment: In summary, the available evidence is currently insufficient to determine the role of this variant in disease. Therefore, it has been classified as a Variant of Uncertain Significance. Algorithms developed to predict the effect of missense changes on protein structure and function (SIFT, PolyPhen-2, Align-GVGD) all suggest that this variant is likely to be tolerated. This variant has not been reported in the literature in individuals affected with KDM1A-related conditions. This variant is not present in population databases (gnomAD no frequency). This sequence change replaces proline, which is neutral and non-polar, with alanine, which is neutral and non-polar, at codon 156 of the KDM1A protein (p.Pro156Ala).